The following is an entry in ClinVar:

ClinVar aggregate classification (germline): Uncertain significance. Review status: criteria provided, multiple submitters, no conflicts (2 of 4 stars). 2 submissions from 2 submitters: Uncertain significance (2). Last evaluated 2023-12-11.

Allele frequency attached by ClinVar (database versions not stated): TOPMed below 0.00001.

Submissions (2):

Labcorp Genetics (formerly Invitae), Labcorp
Classification: Uncertain significance. Last evaluated: 2023-12-11. Review status: criteria provided, single submitter. Criteria: Invitae Variant Classification Sherloc (09022015). Collection method: clinical testing. Allele origin: germline.
Comment: This sequence change replaces leucine, which is neutral and non-polar, with proline, which is neutral and non-polar, at codon 3133 of the CDH23 protein (p.Leu3133Pro). This variant is not present in population databases (gnomAD no frequency). This missense change has been observed in individual(s) with hearing loss (PMID: 35020051). ClinVar contains an entry for this variant (Variation ID: 1496408). Advanced modeling of protein sequence and biophysical properties (such as structural, functional, and spatial information, amino acid conservation, physicochemical variation, residue mobility, and thermodynamic stability) has been performed at Invitae for this missense variant, however the output from this modeling did not meet the statistical confidence thresholds required to predict the impact of this variant on CDH23 protein function. In summary, the available evidence is currently insufficient to determine the role of this variant in disease. Therefore, it has been classified as a Variant of Uncertain Significance.

GeneDx
Classification: Uncertain significance. Last evaluated: 2022-10-13. Review status: criteria provided, single submitter. Criteria: GeneDx Variant Classification Process June 2021. Collection method: clinical testing. Allele origin: germline. Affected: yes.
Comment: Not observed at significant frequency in large population cohorts (gnomAD); In silico analysis supports that this missense variant has a deleterious effect on protein structure/function; Has not been previously published as pathogenic or benign to our knowledge

Literature cited by the submitters: PubMed 35020051 (cited by Labcorp Genetics (formerly Invitae), Labcorp).

NM_022124.6(CDH23):c.9398T>C (p.Leu3133Pro)

Gene: CDH23 (cadherin related 23; plus strand). Cytogenetic location: 10q22.1.
Variant type: single nucleotide variant.
Coding change: c.9398T>C on transcript NM_022124.6 (MANE Select); coding-DNA position 9398, T replaced by C.
Protein change: p.Leu3133Pro; replaces leucine 3133 with proline.
Molecular consequence: missense variant.
Genome position (GRCh38, 1-based): chr10:71,812,497, T>C. VCF-style: chr10-71812497-T-C. GRCh37 (hg19) VCF-style: chr10-73572254-T-C.
Other names: c.2678T>C, p.Leu893Pro (NM_001171933.1, NM_001171934.1); c.89T>C, p.Leu30Pro (NM_001171935.1, NM_001171936.1); c.9398T>C (NM_022124.5); short protein forms L3133P, L893P, L30P.
Identifiers: ClinVar variation 1496408 (VCV001496408.8), dbSNP rs1164675612, ClinGen allele CA377136348.